The following is an entry in ClinVar:

NM_014633.5(CTR9):c.686C>G (p.Ser229Cys)

Gene: CTR9 (CTR9 component of Paf1/RNA polymerase II complex; plus strand). Cytogenetic location: 11p15.4.
Variant type: single nucleotide variant.
Coding change: c.686C>G on transcript NM_014633.5 (MANE Select); coding-DNA position 686, C replaced by G.
Protein change: p.Ser229Cys; replaces serine 229 with cysteine.
Molecular consequence: missense variant.
Genome position (GRCh38, 1-based): chr11:10,760,266, C>G. VCF-style: chr11-10760266-C-G. GRCh37 (hg19) VCF-style: chr11-10781813-C-G.
Other names: c.686C>G, p.Ser229Cys (NM_001346279.2); c.686C>G (NM_014633.3); short protein forms S229C.
Identifiers: ClinVar variation 2662912 (VCV002662912.2), dbSNP rs994091482, ClinGen allele CA217707309.

ClinVar aggregate classification (germline): Uncertain significance. Review status: criteria provided, multiple submitters, no conflicts (2 of 4 stars). 2 submissions from 2 submitters: Uncertain significance (2). Last evaluated 2025-04-13.

Conditions:
Inborn genetic diseases. Identifiers: MedGen C0950123, MeSH D030342.

Allele frequency attached by ClinVar (database versions not stated): TOPMed 0.00001; gnomAD 0.00001; gnomAD exomes below 0.00001.
gnomAD v4.1: 6 of 1,613,878 alleles (0.00037%); highest among the groups gnomAD compares: Non-Finnish European, 0.00051%; no homozygotes.

Submissions (2):

Ambry Genetics
Classification: Uncertain significance for Inborn genetic diseases. Last evaluated: 2025-04-13. Review status: criteria provided, single submitter. Criteria: Ambry Variant Classification Scheme 2023. Collection method: clinical testing. Allele origin: germline.

GeneDx
Classification: Uncertain significance. Last evaluated: 2023-04-03. Review status: criteria provided, single submitter. Criteria: GeneDx Variant Classification Process June 2021. Collection method: clinical testing. Allele origin: germline. Affected: yes.
Comment: In silico analysis supports that this missense variant has a deleterious effect on protein structure/function; Has not been previously published as pathogenic or benign to our knowledge